The following is an entry in ClinVar:

NM_013432.5(TONSL):c.3111C>T (p.Ala1037=)

Gene: TONSL (tonsoku like, DNA repair protein; minus strand). Cytogenetic location: 8q24.3.
Variant type: single nucleotide variant.
Coding change: c.3111C>T on transcript NM_013432.5 (MANE Select); coding-DNA position 3111, C replaced by T.
Protein change: p.Ala1037=; no amino-acid change (alanine 1037 retained).
Molecular consequence: synonymous variant.
Genome position (GRCh38, 1-based): chr8:144,434,254, G>A on the plus strand (C>T on the coding strand, the complement: TONSL is on the minus strand). VCF-style: chr8-144434254-G-A. GRCh37 (hg19) VCF-style: chr8-145659637-G-A.
Other names: c.3111C>T (NM_013432.4).
Identifiers: ClinVar variation 1164478 (VCV001164478.9), dbSNP rs142494135, ClinGen allele CA4942587.

ClinVar aggregate classification (germline): Benign. Review status: criteria provided, single submitter (1 of 4 stars). 2 submissions from 2 submitters: Benign (1). 1 of the submissions does not count toward it. Last evaluated 2026-01-18.

Conditions:
TONSL-related disorder. Also called: TONSL-related condition.

Allele frequency attached by ClinVar (database versions not stated): 1000 Genomes Project 0.00779; ESP Exome Variant Server 0.00015; ExAC 0.00455; 1000 Genomes Project 30x 0.00703.
gnomAD v4.1: 3,009 of 1,521,458 alleles (0.2%); highest among the groups gnomAD compares: East Asian, 2.6%; 49 homozygotes.

Submissions (2):

Labcorp Genetics (formerly Invitae), Labcorp
Classification: Benign. Last evaluated: 2026-01-18. Review status: criteria provided, single submitter. Criteria: Invitae Variant Classification Sherloc (09022015). Collection method: clinical testing. Allele origin: germline.

PreventionGenetics, part of Exact Sciences
Classification: Benign for TONSL-related condition. Last evaluated: 2024-06-25. Review status: no assertion criteria provided. Collection method: clinical testing. Allele origin: germline. Not counted in ClinVar's aggregate classification.
Comment: This variant is classified as benign based on ACMG/AMP sequence variant interpretation guidelines (Richards et al. 2015 PMID: 25741868, with internal and published modifications).